The following is an entry in ClinVar:

NM_004612.4(TGFBR1):c.1222T>A (p.Phe408Ile)

Gene: TGFBR1 (transforming growth factor beta receptor 1; plus strand). Cytogenetic location: 9q22.33.
Variant type: single nucleotide variant.
Coding change: c.1222T>A on transcript NM_004612.4 (MANE Select); coding-DNA position 1222, T replaced by A.
Protein change: p.Phe408Ile; replaces phenylalanine 408 with isoleucine.
Molecular consequence: missense variant.
Genome position (GRCh38, 1-based): chr9:99,146,576, T>A. VCF-style: chr9-99146576-T-A. GRCh37 (hg19) VCF-style: chr9-101908858-T-A.
Other names: c.991T>A, p.Phe331Ile (NM_001130916.3); c.1234T>A, p.Phe412Ile (NM_001306210.2); short protein forms F412I, F408I, F331I.
Identifiers: ClinVar variation 1463632 (VCV001463632.8), dbSNP rs1827803560, ClinGen allele CA374233057.

ClinVar aggregate classification (germline): Uncertain significance. Review status: criteria provided, multiple submitters, no conflicts (2 of 4 stars). 3 submissions from 3 submitters: Uncertain significance (3). Last evaluated 2023-10-06.

Conditions:
Loeys-Dietz syndrome (LDS). Identifiers: Orphanet 60030, MedGen C2697932, MONDO:0018954.
Familial thoracic aortic aneurysm and aortic dissection (TAAD). Also called: Thoracic aortic aneurysms and dissections. Identifiers: Orphanet 91387, MedGen C4707243, MONDO:0019625.

Allele frequency attached by ClinVar (database versions not stated): TOPMed below 0.00001.

Submissions (3):

All of Us Research Program, National Institutes of Health
Classification: Uncertain significance for Loeys-Dietz syndrome. Last evaluated: 2023-10-06. Review status: criteria provided, single submitter. Criteria: ACMG Guidelines, 2015. Collection method: clinical testing. Allele origin: germline. Inheritance: Autosomal dominant inheritance. Observed: 1 variant allele, 1 heterozygote.
Comment: This missense variant replaces phenylalanine with isoleucine at codon 408 of the TGFBR1 protein. Computational prediction is inconclusive regarding the impact of this variant on protein structure and function (internally defined REVEL score threshold 0.5 < inconclusive < 0.7, PMID: 27666373). To our knowledge, functional studies have not been reported for this variant. This variant has not been reported in individuals affected with TGFBR1-related disorders in the literature. This variant has not been identified in the general population by the Genome Aggregation Database (gnomAD). The available evidence is insufficient to determine the role of this variant in disease conclusively. Therefore, this variant is classified as a Variant of Uncertain Significance.

This study involves interpretation of variants in research participants for the purpose of population health screening. Participant phenotype was not available at the time of variant classification. Additional details can be found in publication PMID: 35346344, PMCID: PMC8962531

Color Diagnostics, LLC DBA Color Health
Classification: Uncertain significance for Familial thoracic aortic aneurysm and aortic dissection. Last evaluated: 2023-09-27. Review status: criteria provided, single submitter. Criteria: ACMG Guidelines, 2015. Collection method: clinical testing. Allele origin: germline.
Comment: This missense variant replaces phenylalanine with isoleucine at codon 408 of the TGFBR1 protein. Computational prediction is inconclusive regarding the impact of this variant on protein structure and function. To our knowledge, functional studies have not been reported for this variant. This variant has not been reported in individuals affected with TGFBR1-related disorders in the literature. This variant has not been identified in the general population by the Genome Aggregation Database (gnomAD). The available evidence is insufficient to determine the role of this variant in disease conclusively. Therefore, this variant is classified as a Variant of Uncertain Significance.

Labcorp Genetics (formerly Invitae), Labcorp
Classification: Uncertain significance for Familial thoracic aortic aneurysm and aortic dissection. Last evaluated: 2022-10-28. Review status: criteria provided, single submitter. Criteria: Invitae Variant Classification Sherloc (09022015). Collection method: clinical testing. Allele origin: germline.
Comment: ClinVar contains an entry for this variant (Variation ID: 1463632). In summary, the available evidence is currently insufficient to determine the role of this variant in disease. Therefore, it has been classified as a Variant of Uncertain Significance. Advanced modeling of protein sequence and biophysical properties (such as structural, functional, and spatial information, amino acid conservation, physicochemical variation, residue mobility, and thermodynamic stability) performed at Invitae indicates that this missense variant is not expected to disrupt TGFBR1 protein function. This variant has not been reported in the literature in individuals affected with TGFBR1-related conditions. This variant is not present in population databases (gnomAD no frequency). This sequence change replaces phenylalanine, which is neutral and non-polar, with isoleucine, which is neutral and non-polar, at codon 408 of the TGFBR1 protein (p.Phe408Ile).